The following is an entry in ClinVar:

ClinVar aggregate classification (germline): Conflicting classifications of pathogenicity. Review status: criteria provided, conflicting classifications (1 of 4 stars). 3 submissions from 3 submitters: Uncertain significance (2); Likely benign (1). Last evaluated 2024-12-27.

Conditions:
Hereditary breast ovarian cancer syndrome. Also called: Hereditary breast and ovarian cancer syndrome (HBOC); BRCA1- and BRCA2-Associated Hereditary Breast and Ovarian Cancer; Hereditary breast and ovarian cancer syndrome; Breast and ovarian cancer; Hereditary breast and ovarian cancer; Hereditary breast and/or ovarian cancer syndrome. Identifiers: Orphanet 145, MedGen C0677776, MeSH D061325, MONDO:0003582. Disease mechanism: loss of function.
Hereditary cancer-predisposing syndrome. Also called: Hereditary neoplastic syndrome; Neoplastic Syndromes, Hereditary; Tumor predisposition; Hereditary Cancer Syndrome. Identifiers: Orphanet 140162, MedGen C0027672, MeSH D009386, MONDO:0015356.

Allele frequency attached by ClinVar (database versions not stated): gnomAD exomes below 0.00001; TOPMed below 0.00001.
gnomAD v4.1: 1 of 1,606,750 alleles (0.000062%); highest among the groups gnomAD compares: Admixed American, 0.0017%; no homozygotes.

Submissions (3):

Ambry Genetics
Classification: Uncertain significance for Hereditary cancer-predisposing syndrome. Last evaluated: 2024-12-27. Review status: criteria provided, single submitter. Criteria: Ambry Variant Classification Scheme 2023. Collection method: clinical testing. Allele origin: germline.
Comment: The p.H2093L variant (also known as c.6278A>T), located in coding exon 10 of the BRCA2 gene, results from an A to T substitution at nucleotide position 6278. The histidine at codon 2093 is replaced by leucine, an amino acid with similar properties. This amino acid position is conserved. In addition, this alteration is predicted to be tolerated by in silico analysis. Since supporting evidence is limited at this time, the clinical significance of this alteration remains unclear.

Labcorp Genetics (formerly Invitae), Labcorp
Classification: Uncertain significance for Hereditary breast ovarian cancer syndrome. Last evaluated: 2024-08-05. Review status: criteria provided, single submitter. Criteria: Invitae Variant Classification Sherloc (09022015). Collection method: clinical testing. Allele origin: germline.
Comment: This sequence change replaces histidine, which is basic and polar, with leucine, which is neutral and non-polar, at codon 2093 of the BRCA2 protein (p.His2093Leu). This variant is present in population databases (no rsID available, gnomAD 0.003%). This variant has not been reported in the literature in individuals affected with BRCA2-related conditions. ClinVar contains an entry for this variant (Variation ID: 531301). Advanced modeling of protein sequence and biophysical properties (such as structural, functional, and spatial information, amino acid conservation, physicochemical variation, residue mobility, and thermodynamic stability) performed at Invitae indicates that this missense variant is not expected to disrupt BRCA2 protein function with a negative predictive value of 95%. In summary, the available evidence is currently insufficient to determine the role of this variant in disease. Therefore, it has been classified as a Variant of Uncertain Significance.

University of Washington Department of Laboratory Medicine, University of Washington
Classification: Likely benign for Hereditary cancer-predisposing syndrome. Last evaluated: 2023-03-23. Review status: criteria provided, single submitter. Criteria: Dines et al. (Genet Med. 2020). Collection method: curation. Allele origin: germline.
Comment: Missense variant in a coldspot region where missense variants are very unlikely to be pathogenic (PMID:31911673).

BRCA2 exon 11 coldspot. Reclassification based on statistical prior probability.

NM_000059.4(BRCA2):c.6278A>T (p.His2093Leu)

Gene: BRCA2 (BRCA2 DNA repair associated; plus strand). Cytogenetic location: 13q13.1.
Variant type: single nucleotide variant.
Coding change: c.6278A>T on transcript NM_000059.4 (MANE Select); coding-DNA position 6278, A replaced by T.
Protein change: p.His2093Leu; replaces histidine 2093 with leucine.
Molecular consequence: missense variant.
Genome position (GRCh38, 1-based): chr13:32,340,633, A>T. VCF-style: chr13-32340633-A-T. GRCh37 (hg19) VCF-style: chr13-32914770-A-T.
Other names: short protein forms H2093L.
Identifiers: ClinVar variation 531301 (VCV000531301.14), dbSNP rs1218113889, ClinGen allele CA387788986.